The following is an entry in ClinVar:

ClinVar aggregate classification (germline): Likely benign. Review status: criteria provided, multiple submitters, no conflicts (2 of 4 stars). 3 submissions from 3 submitters: Likely benign (2). 1 of the submissions does not count toward it. Last evaluated 2025-09-04.

Conditions:
Pulmonary hypertension, primary, 1 (PPH1). Also called: Pulmonary hypertension, familial primary, 1, with or without HHT. Identifiers: Orphanet 422, MedGen C4552070, MONDO:0024533, OMIM 178600.
Coxopodopatellar syndrome. Also called: Congenital coxa vara, patella aplasia and tarsal synostosis; ISCHIOPATELLAR DYSPLASIA; SCOTT-TAOR SYNDROME; Small patella syndrome; ISCHIOCOXOPODOPATELLAR SYNDROME; PATELLA APLASIA, COXA VARA, AND TARSAL SYNOSTOSIS. Identifiers: Orphanet 1509, MedGen C1840061, MONDO:0007841, OMIM 147891.

Allele frequency attached by ClinVar (database versions not stated): gnomAD exomes 0.00002 and 0.00006; ExAC 0.00005; ESP Exome Variant Server 0.00015; TOPMed 0.00005; gnomAD 0.00007 and 0.00008.
gnomAD v4.1: 50 of 1,613,872 alleles (0.0031%); highest among the groups gnomAD compares: African/African-American, 0.0053%; no homozygotes.

Submissions (3):

Labcorp Genetics (formerly Invitae), Labcorp
Classification: Likely benign. Last evaluated: 2025-09-04. Review status: criteria provided, single submitter. Criteria: Invitae Variant Classification Sherloc (09022015). Collection method: clinical testing. Allele origin: germline.

Illumina Laboratory Services, Illumina
Classification: Likely benign for Coxopodopatellar syndrome. Last evaluated: 2018-01-13. Review status: criteria provided, single submitter. Criteria: ICSL Variant Classification Criteria 13 December 2019. Collection method: clinical testing. Allele origin: germline.
Comment: This variant was observed in the ICSL laboratory as part of a predisposition screen in an ostensibly healthy population. It had not been previously curated by ICSL or reported in the Human Gene Mutation Database (HGMD: prior to June 1st, 2018), and was therefore a candidate for classification through an automated scoring system. Utilizing variant allele frequency, disease prevalence and penetrance estimates, and inheritance mode, an automated score was calculated to assess if this variant is too frequent to cause the disease. Based on the score and internal cut-off values, a variant classified as likely benign is not then subjected to further curation. The score for this variant resulted in a classification of likely benign for this disease.

Wendy Chung Laboratory, Boston Children's Hospital
No classification provided. Condition: Pulmonary hypertension, primary, 1. Review status: no classification provided. Collection method: literature only. Allele origin: unknown. Affected: yes. Not counted in ClinVar's aggregate classification.

Literature cited by the submitters: PubMed 29650961 (cited by Wendy Chung Laboratory, Boston Children's Hospital).

NM_001321120.2(TBX4):c.1105C>T (p.Arg369Cys)

Gene: TBX4 (T-box transcription factor 4; plus strand). Cytogenetic location: 17q23.2.
Variant type: single nucleotide variant.
Coding change: c.1105C>T on transcript NM_001321120.2 (MANE Select); coding-DNA position 1105, C replaced by T.
Protein change: p.Arg369Cys; replaces arginine 369 with cysteine.
Molecular consequence: missense variant.
Genome position (GRCh38, 1-based): chr17:61,482,980, C>T. VCF-style: chr17-61482980-C-T. GRCh37 (hg19) VCF-style: chr17-59560341-C-T.
Other names: c.1102C>T, p.Arg368Cys (NM_018488.3); short protein forms R369C, R368C.
Identifiers: ClinVar variation 891902 (VCV000891902.9), dbSNP rs372115732, ClinGen allele CA8690023.
Genomic context (GRCh38, chr17:61,482,980, plus strand): 5'-TTACCTTGCAAGCGATCCTATCTGGAAGCCCCCTCTTCGGTGGGGGAGGATCACTATTTC[C>T]GTTCCCCCCCTCCCTACGACCAGCAAATGCTGAGCCCCTCCTACTGCAGTGAGGTGACCC-3'
Protein context (NP_001308049.1, residues 359-379): PSSVGEDHYF[Arg369Cys]SPPPYDQQML